The following is an entry in ClinVar:

NM_033118.4(MYLK2):c.172G>A (p.Ala58Thr)

Gene: MYLK2 (myosin light chain kinase 2; plus strand). Cytogenetic location: 20q11.21.
Variant type: single nucleotide variant.
Coding change: c.172G>A on transcript NM_033118.4 (MANE Select); coding-DNA position 172, G replaced by A.
Protein change: p.Ala58Thr; replaces alanine 58 with threonine.
Molecular consequence: missense variant.
Genome position (GRCh38, 1-based): chr20:31,820,245, G>A. VCF-style: chr20-31820245-G-A. GRCh37 (hg19) VCF-style: chr20-30408048-G-A.
Other names: c.172G>A (NM_033118.3); short protein forms A58T.
Identifiers: ClinVar variation 1516109 (VCV001516109.9), dbSNP rs2123125941, ClinGen allele CA408525065.

ClinVar aggregate classification (germline): Uncertain significance. Review status: criteria provided, multiple submitters, no conflicts (2 of 4 stars). 2 submissions from 2 submitters: Uncertain significance (2). Last evaluated 2026-04-02.

Conditions:
Hypertrophic cardiomyopathy 1 (CMH1). Also called: Familial hypertrophic cardiomyopathy 1; MYH7-Related Familial Hypertrophic Cardiomyopathy. Identifiers: MedGen C3495498, MONDO:0008647, OMIM 192600.

Submissions (2):

Ambry Genetics
Classification: Uncertain significance. Last evaluated: 2026-04-02. Review status: criteria provided, single submitter. Criteria: Ambry Variant Classification Scheme 2023. Collection method: clinical testing. Allele origin: germline.
Comment: The p.A58T variant (also known as c.172G>A), located in coding exon 2 of the MYLK2 gene, results from a G to A substitution at nucleotide position 172. The alanine at codon 58 is replaced by threonine, an amino acid with similar properties. This amino acid position is conserved. In addition, this alteration is predicted to be tolerated by in silico analysis. Based on the available evidence, the clinical significance of this variant remains unclear.

Labcorp Genetics (formerly Invitae), Labcorp
Classification: Uncertain significance for Hypertrophic cardiomyopathy 1. Last evaluated: 2021-04-09. Review status: criteria provided, single submitter. Criteria: Invitae Variant Classification Sherloc (09022015). Collection method: clinical testing. Allele origin: germline.
Comment: In summary, the available evidence is currently insufficient to determine the role of this variant in disease. Therefore, it has been classified as a Variant of Uncertain Significance. Algorithms developed to predict the effect of missense changes on protein structure and function output the following: SIFT: "Tolerated"; PolyPhen-2: "Benign"; Align-GVGD: "Class C0". The threonine amino acid residue is found in multiple mammalian species, suggesting that this missense change does not adversely affect protein function. These predictions have not been confirmed by published functional studies and their clinical significance is uncertain. This variant has not been reported in the literature in individuals with MYLK2-related conditions. This variant is not present in population databases (ExAC no frequency). This sequence change replaces alanine with threonine at codon 58 of the MYLK2 protein (p.Ala58Thr). The alanine residue is weakly conserved and there is a small physicochemical difference between alanine and threonine.